The following is an entry in ClinVar:

NM_007194.4(CHEK2):c.1543-9_1546del

Gene: CHEK2 (checkpoint kinase 2; minus strand). Cytogenetic location: 22q12.1.
Variant type: Deletion.
Coding change: c.1543-9_1546del on transcript NM_007194.4 (MANE Select); 9 bases into the intron before coding-DNA position 1543 through coding-DNA position 1546, 13 bases deleted (TATTTTCAGCCTT).
Molecular consequence: splice acceptor variant.
Genome position (GRCh38, 1-based): chr22:28,687,983-28,687,995, AAGGCTGAAAATA deleted on the plus strand (TATTTTCAGCCTT on the coding strand, the reverse complement: CHEK2 is on the minus strand); deleting any 13 consecutive bases within chr22:28,687,983-28,687,999 gives the same sequence; the c. name uses the placement nearest the transcript's 3' end. VCF-style (leftmost placement, unchanged base first): chr22-28687982-GAAGGCTGAAAATA-G. GRCh37 (hg19) VCF-style: chr22-29083970-GAAGGCTGAAAATA-G.
Other names: c.1543-9_1546delTATTTTCAGCCTT (NM_007194.3); c.880-9_883del (NM_001437942.1, NM_001257387.3); c.1342-9_1345del (NM_001349956.3); c.1456-9_1459del (NM_145862.3); c.1549-9_1552del (NM_001438295.1); c.1636-9_1639del (NM_001438293.1); c.1585-9_1588del (NM_001438294.1); c.1672-9_1675del (NM_001005735.3).
Identifiers: ClinVar variation 530119 (VCV000530119.13), dbSNP rs1555911638, ClinGen allele CA658799499.

ClinVar aggregate classification (germline): Pathogenic/Likely pathogenic. Review status: criteria provided, multiple submitters, no conflicts (2 of 4 stars). 2 submissions from 2 submitters: Pathogenic (1); Likely pathogenic (1). Last evaluated 2023-06-29.

Conditions:
Familial cancer of breast. Also called: BREAST CANCER, FAMILIAL; Hereditary breast cancer; hereditary breast carcinoma. Identifiers: Orphanet 227535, MedGen C0346153, MONDO:0016419, OMIM 114480. Disease mechanism: loss of function.

Submissions (2):

Myriad Genetics, Inc.
Classification: Likely pathogenic for Familial cancer of breast. Last evaluated: 2023-06-29. Review status: criteria provided, single submitter. Criteria: Myriad Autosomal Dominant, Autosomal Recessive and X-Linked Classification Criteria (2023). Collection method: clinical testing. Allele origin: unknown.
Comment: This variant is considered likely pathogenic. This variant occurs within a consensus splice junction and is predicted to result in abnormal mRNA splicing of either an out-of-frame exon or an in-frame exon necessary for protein stability and/or normal function.

Labcorp Genetics (formerly Invitae), Labcorp
Classification: Pathogenic for Familial cancer of breast. Last evaluated: 2022-02-18. Review status: criteria provided, single submitter. Criteria: Invitae Variant Classification Sherloc (09022015). Collection method: clinical testing. Allele origin: germline.
Comment: ClinVar contains an entry for this variant (Variation ID: 530119). For these reasons, this variant has been classified as Pathogenic. Algorithms developed to predict the effect of sequence changes on RNA splicing suggest that this variant may disrupt the consensus splice site. This variant has not been reported in the literature in individuals affected with CHEK2-related conditions. This variant is not present in population databases (gnomAD no frequency). This variant results in the deletion of part of exon 15 (c.1543-9_1546del) of the CHEK2 gene. It is expected to disrupt RNA splicing. Variants that disrupt the donor or acceptor splice site typically lead to a loss of protein function (PMID: 16199547), and loss-of-function variants in CHEK2 are known to be pathogenic (PMID: 21876083, 24713400).

Literature cited by the submitters: PubMed 16199547 (cited by Labcorp Genetics (formerly Invitae), Labcorp); PubMed 21876083 (cited by Labcorp Genetics (formerly Invitae), Labcorp); PubMed 24713400 (cited by Labcorp Genetics (formerly Invitae), Labcorp).